The following is an entry in ClinVar:

NM_015047.3(EMC1):c.323G>A (p.Arg108His)

Gene: EMC1 (ER membrane protein complex subunit 1; minus strand). Cytogenetic location: 1p36.13.
Variant type: single nucleotide variant.
Coding change: c.323G>A on transcript NM_015047.3 (MANE Select); coding-DNA position 323, G replaced by A.
Protein change: p.Arg108His; replaces arginine 108 with histidine.
Molecular consequence: missense variant.
Genome position (GRCh38, 1-based): chr1:19,243,671, C>T on the plus strand (G>A on the coding strand, the complement: EMC1 is on the minus strand). VCF-style: chr1-19243671-C-T. GRCh37 (hg19) VCF-style: chr1-19570165-C-T.
Other names: c.323G>A, p.Arg108His (NM_001271427.2, NM_001271428.2, NM_001375820.1 and 1 more transcripts); c.257G>A, p.Arg86His (NM_001271429.2); short protein forms R108H, R86H.
Identifiers: ClinVar variation 1467349 (VCV001467349.9), dbSNP rs774813068, ClinGen allele CA652957.

ClinVar aggregate classification (germline): Uncertain significance. Review status: criteria provided, multiple submitters, no conflicts (2 of 4 stars). 2 submissions from 2 submitters: Uncertain significance (2). Last evaluated 2024-10-23.

Conditions:
Cerebellar atrophy, visual impairment, and psychomotor retardation;. Also called: Cerebellar atrophy, visual impairment, and psychomotor retardation. Identifiers: MedGen C4225172, MONDO:0014811, OMIM 616875.

Allele frequency attached by ClinVar (database versions not stated): gnomAD exomes below 0.00001; ExAC 0.00001.
gnomAD v4.1: 5 of 1,614,186 alleles (0.00031%); highest among the groups gnomAD compares: South Asian, 0.0022%; no homozygotes.

Submissions (2):

Labcorp Genetics (formerly Invitae), Labcorp
Classification: Uncertain significance. Last evaluated: 2024-10-23. Review status: criteria provided, single submitter. Criteria: Invitae Variant Classification Sherloc (09022015). Collection method: clinical testing. Allele origin: germline.
Comment: This sequence change replaces arginine, which is basic and polar, with histidine, which is basic and polar, at codon 108 of the EMC1 protein (p.Arg108His). This variant is present in population databases (rs774813068, gnomAD 0.003%). This variant has not been reported in the literature in individuals affected with EMC1-related conditions. ClinVar contains an entry for this variant (Variation ID: 1467349). Invitae Evidence Modeling of protein sequence and biophysical properties (such as structural, functional, and spatial information, amino acid conservation, physicochemical variation, residue mobility, and thermodynamic stability) indicates that this missense variant is expected to disrupt EMC1 protein function with a positive predictive value of 80%. In summary, the available evidence is currently insufficient to determine the role of this variant in disease. Therefore, it has been classified as a Variant of Uncertain Significance.

Revvity Omics, Revvity
Classification: Uncertain significance for Cerebellar atrophy, visual impairment, and psychomotor retardation;. Last evaluated: 2021-05-13. Review status: criteria provided, single submitter. Criteria: ACMG Guidelines, 2015. Collection method: clinical testing. Allele origin: germline.